The following is an entry in ClinVar:

ClinVar aggregate classification (germline): Uncertain significance (1 of 4 stars; one submission).

Submission:

CeGaT Center for Human Genetics Tuebingen
Classification: Uncertain significance. Last evaluated: 2023-08-01. Review status: criteria provided, single submitter. Criteria: CeGaT Center For Human Genetics Tuebingen Variant Classification Criteria Version 2. Collection method: clinical testing. Allele origin: germline. Affected: yes. Observed: 1 variant allele.
Comment: SRCAP: PM2, BP4

NM_006662.3(SRCAP):c.1816-4A>G

Gene: SRCAP (Snf2 related CREBBP activator protein; plus strand). Cytogenetic location: 16p11.2.
Variant type: single nucleotide variant.
Coding change: c.1816-4A>G on transcript NM_006662.3 (MANE Select); 4 bases into the intron before coding-DNA position 1816, A replaced by G.
Molecular consequence: intron variant.
Genome position (GRCh38, 1-based): chr16:30,712,258, A>G. VCF-style: chr16-30712258-A-G. GRCh37 (hg19) VCF-style: chr16-30723579-A-G.
Identifiers: ClinVar variation 2646391 (VCV002646391.24), dbSNP rs2506630902, ClinGen allele CA2695197641.
Genomic context (GRCh38, chr16:30,712,258, plus strand): 5'-TTTCTCATGTCCCCACAACAAATGCCTCATTTCCATTGTGTTACCTATATTTCCTCTCTG[A>G]CAGGTAAAGACGCCCATTCCCCTGCTTCTGCGGGGCCAGCTCCGGGAGTACCAGCACATT-3'